The following is an entry in ClinVar:

NM_139076.3(ABRAXAS1):c.133A>G (p.Ile45Val)

Gene: ABRAXAS1 (abraxas 1, BRCA1 A complex subunit; minus strand). Cytogenetic location: 4q21.23.
Variant type: single nucleotide variant.
Coding change: c.133A>G on transcript NM_139076.3 (MANE Select); coding-DNA position 133, A replaced by G.
Protein change: p.Ile45Val; replaces isoleucine 45 with valine.
Molecular consequence: missense variant. On other transcripts: 5 prime UTR variant (1).
Genome position (GRCh38, 1-based): chr4:83,482,199, T>C on the plus strand (A>G on the coding strand, the complement: ABRAXAS1 is on the minus strand). VCF-style: chr4-83482199-T-C. GRCh37 (hg19) VCF-style: chr4-84403352-T-C.
Other names: c.-128A>G (NM_001345962.2); short protein forms I45V.
Identifiers: ClinVar variation 3994474 (VCV003994474.1).

ClinVar aggregate classification (germline): Uncertain significance (1 of 4 stars; one submission).

Submission:

Ambry Genetics
Classification: Uncertain significance. Last evaluated: 2025-05-11. Review status: criteria provided, single submitter. Criteria: Ambry Variant Classification Scheme 2023. Collection method: clinical testing. Allele origin: germline.
Comment: The p.I45V variant (also known as c.133A>G), located in coding exon 2 of the FAM175A gene, results from an A to G substitution at nucleotide position 133. The isoleucine at codon 45 is replaced by valine, an amino acid with highly similar properties. This amino acid position is conserved. In addition, this alteration is predicted to be tolerated by in silico analysis. Based on the available evidence, the clinical significance of this variant remains unclear.